The following is an entry in ClinVar:

NM_001044305.3(SMAP1):c.720C>T (p.Asn240=)

Gene: SMAP1 (small ArfGAP 1; plus strand). Cytogenetic location: 6q13.
Variant type: single nucleotide variant.
Coding change: c.720C>T on transcript NM_001044305.3 (MANE Select); coding-DNA position 720, C replaced by T.
Protein change: p.Asn240=; no amino-acid change (asparagine 240 retained).
Molecular consequence: synonymous variant.
Genome position (GRCh38, 1-based): chr6:70,852,595, C>T. VCF-style: chr6-70852595-C-T. GRCh37 (hg19) VCF-style: chr6-71562298-C-T.
Other names: c.639C>T, p.Asn213= (NM_001281439.2, NM_021940.5); c.690C>T, p.Asn230= (NM_001281440.1).
Identifiers: ClinVar variation 2656690 (VCV002656690.24), dbSNP rs376013565, ClinGen allele CA3884441.
Genomic context (GRCh38, chr6:70,852,595, plus strand): 5'-TTCAGATGGCCCTGCTGTGGCACCAGTGACCAACGGGAACACAACGGTGCCACCCCTGAA[C>T]GATGATCTGGACATCTTTGGACCGATGATTTCTAATCCCTTACCTGCAACTGTCATGCCC-3'
Protein context (NP_001037770.1, residues 230-250): TNGNTTVPPL[Asn240=]DDLDIFGPMI

ClinVar aggregate classification (germline): Likely benign (1 of 4 stars; one submission).

Allele frequency attached by ClinVar (database versions not stated): ExAC 0.00001; gnomAD 0.00002; gnomAD exomes 0.00002; TOPMed 0.00002; ESP Exome Variant Server 0.00008.
gnomAD v4.1: 41 of 1,610,194 alleles (0.0025%); highest among the groups gnomAD compares: East Asian, 0.054%; 1 homozygote.

Submission:

CeGaT Center for Human Genetics Tuebingen
Classification: Likely benign. Last evaluated: 2024-02-01. Review status: criteria provided, single submitter. Criteria: CeGaT Center For Human Genetics Tuebingen Variant Classification Criteria Version 2. Collection method: clinical testing. Allele origin: germline. Affected: yes. Observed: 1 variant allele.
Comment: SMAP1: BP4, BP7